The following is an entry in ClinVar:

ClinVar aggregate classification (germline): Likely benign. Review status: criteria provided, multiple submitters, no conflicts (2 of 4 stars). 3 submissions from 3 submitters: Likely benign (3). Last evaluated 2026-02-01.

Conditions:
Kleefstra syndrome 1 (KLEFS1). Identifiers: Orphanet 261494, MedGen C0795833, MONDO:0027407, OMIM 610253.

Allele frequency attached by ClinVar (database versions not stated): gnomAD exomes 0.00001 and 0.00004; ExAC 0.00002; TOPMed 0.00002; gnomAD 0.00003.
gnomAD v4.1: 24 of 1,614,032 alleles (0.0015%); highest among the groups gnomAD compares: African/African-American, 0.008%; no homozygotes.

Submissions (3):

CeGaT Center for Human Genetics Tuebingen
Classification: Likely benign. Last evaluated: 2026-02-01. Review status: criteria provided, single submitter. Criteria: CeGaT Center For Human Genetics Tuebingen Variant Classification Criteria Version 2. Collection method: clinical testing. Allele origin: germline. Affected: yes. Observed: 1 variant allele.
Comment: EHMT1: BP4

Labcorp Genetics (formerly Invitae), Labcorp
Classification: Likely benign for Kleefstra syndrome 1. Last evaluated: 2025-04-11. Review status: criteria provided, single submitter. Criteria: Invitae Variant Classification Sherloc (09022015). Collection method: clinical testing. Allele origin: germline.

Laboratory of Genetics, Children's Clinical University Hospital Latvia
Classification: Likely benign. Last evaluated: 2025-02-16. Review status: criteria provided, single submitter. Criteria: ACMG Guidelines, 2015. Collection method: clinical testing. Allele origin: germline. Affected: yes.

NM_024757.5(EHMT1):c.1337G>A (p.Arg446Gln)

Gene: EHMT1 (euchromatic histone lysine methyltransferase 1; plus strand). Cytogenetic location: 9q34.3.
Variant type: single nucleotide variant.
Coding change: c.1337G>A on transcript NM_024757.5 (MANE Select); coding-DNA position 1337, G replaced by A.
Protein change: p.Arg446Gln; replaces arginine 446 with glutamine.
Molecular consequence: missense variant.
Genome position (GRCh38, 1-based): chr9:137,754,259, G>A. VCF-style: chr9-137754259-G-A. GRCh37 (hg19) VCF-style: chr9-140648711-G-A.
Other names: c.1337G>A, p.Arg446Gln (NM_001145527.2, NM_001354611.2); c.1244G>A, p.Arg415Gln (NM_001354259.2, NM_001354612.2); c.1316G>A, p.Arg439Gln (NM_001354263.2); short protein forms R446Q, R415Q, R439Q.
Identifiers: ClinVar variation 462977 (VCV000462977.12), dbSNP rs745964626, ClinGen allele CA5374576.